The following is an entry in ClinVar:

ClinVar aggregate classification (germline): Uncertain significance. Review status: criteria provided, multiple submitters, no conflicts (2 of 4 stars). 2 submissions from 2 submitters: Uncertain significance (2). Last evaluated 2023-04-21.

Conditions:
Recurrent metabolic encephalomyopathic crises-rhabdomyolysis-cardiac arrhythmia-intellectual disability syndrome (MECRCN). Also called: Metabolic encephalomyopathic crises, recurrent, with rhabdomyolysis, cardiac arrhythmias, and neurodegeneration; METABOLIC CRISES, RECURRENT, WITH RHABDOMYOLYSIS, CARDIAC ARRHYTHMIAS, AND NEURODEGENERATION; TANGO2 Deficiency. Identifiers: Orphanet 480864, MedGen C5567524, MONDO:0018820, OMIM 616878.

gnomAD v4.1: 1 of 1,613,624 alleles (0.000062%); highest among the groups gnomAD compares: East Asian, 0.0022%; no homozygotes.

Submissions (2):

Mendelics
Classification: Uncertain significance for Recurrent metabolic encephalomyopathic crises-rhabdomyolysis-cardiac arrhythmia-intellectual disability syndrome. Last evaluated: 2023-04-21. Review status: criteria provided, single submitter. Criteria: Mendelics Assertion Criteria 2017. Collection method: clinical testing. Allele origin: unknown.

Broad Center for Mendelian Genomics, Broad Institute of MIT and Harvard
Classification: Uncertain significance for Recurrent metabolic encephalomyopathic crises-rhabdomyolysis-cardiac arrhythmia-intellectual disability syndrome. Last evaluated: 2021-05-21. Review status: criteria provided, single submitter. Criteria: ACMG Guidelines, 2015. Collection method: curation. Allele origin: germline. Inheritance: Autosomal recessive inheritance.
Comment: The p.Arg32Gln variant in TANGO2 has not been previously reported in individuals with metabolic encephalomyopathic crises, recurrent, with rhabdomyolysis, cardiac arrhythmias, and neurodegeneration (MECRCN) but has been identified in 0.005% (1/18376) of East Asian chromosomes by the Genome Aggregation Database (gnomAD; dbSNP ID: rs896249235). Although this variant has been seen in the general population in a heterozygous state, its frequency is low enough to be consistent with a recessive carrier frequency. This variant has also been reported in ClinVar (Variation ID#: 803644) and has been interpreted as likely pathogenic by Mendelics. Computational prediction tools and conservation analyses do not provide strong support for or against an impact to the protein. In summary, the clinical significance of the p.Arg32Gln variant is uncertain. ACMG/AMP Criteria applied: PM2_supporting (Richards 2015).

NM_152906.7(TANGO2):c.95G>A (p.Arg32Gln)

Gene: TANGO2 (transport and golgi organization 2 homolog; plus strand). Cytogenetic location: 22q11.21.
Variant type: single nucleotide variant.
Coding change: c.95G>A on transcript NM_152906.7 (MANE Select); coding-DNA position 95, G replaced by A.
Protein change: p.Arg32Gln; replaces arginine 32 with glutamine.
Molecular consequence: missense variant. On other transcripts: 5 prime UTR variant (12), non-coding transcript variant (5).
Genome position (GRCh38, 1-based): chr22:20,043,393, G>A. VCF-style: chr22-20043393-G-A. GRCh37 (hg19) VCF-style: chr22-20030916-G-A.
Other names: NM_152906.7(TANGO2):c.95G>A; p.Arg32Gln; c.95G>A, p.Arg32Gln (NM_001283106.3, NM_001283116.3, NM_001283148.3 and 10 more transcripts); c.218G>A, p.Arg73Gln (NM_001283129.3, NM_001283215.3, NM_001322141.2 and 5 more transcripts); c.-85G>A (NM_001283235.3, NM_001322146.2, NM_001322148.2 and 9 more transcripts); short protein forms R73Q, R32Q.
Identifiers: ClinVar variation 803644 (VCV000803644.5), dbSNP rs896249235, ClinGen allele CA410692974.